The following is an entry in ClinVar:

ClinVar aggregate classification (germline): Pathogenic. Review status: criteria provided, single submitter (1 of 4 stars). 2 submissions from 2 submitters: Pathogenic (1). 1 of the submissions does not count toward it. Last evaluated 2026-02-18.

gnomAD v4.1: 2 of 1,613,960 alleles (0.00012%); highest among the groups gnomAD compares: Non-Finnish European, 0.000085%; no homozygotes.

Submissions (2):

GeneDx
Classification: Pathogenic. Last evaluated: 2026-02-18. Review status: criteria provided, single submitter. Criteria: GeneDx Variant Classification Process June 2021. Collection method: clinical testing. Allele origin: germline.
Comment: Nonsense variant predicted to result in protein truncation or nonsense mediated decay in a gene for which loss of function is a known mechanism of disease; Not observed at significant frequency in large population cohorts (gnomAD); Has not been previously published as pathogenic or benign to our knowledge

Clinical Genetics Laboratory, University Hospital Schleswig-Holstein
Classification: Pathogenic. Last evaluated: 2024-02-15. Review status: no assertion criteria provided. Collection method: clinical testing. Allele origin: germline. Affected: yes. Not counted in ClinVar's aggregate classification.

Literature cited by the submitters: PubMed 28191889 (cited by Clinical Genetics Laboratory, University Hospital Schleswig-Holstein); PubMed 22542183 (cited by Clinical Genetics Laboratory, University Hospital Schleswig-Holstein); PubMed 27479843 (cited by Clinical Genetics Laboratory, University Hospital Schleswig-Holstein).

NM_001148.6(ANK2):c.6874C>T (p.Arg2292Ter)

Genes: ANK2 (ankyrin 2; plus strand), LOC126807137 (CDK7 strongly-dependent group 2 enhancer GRCh37_chr4:114276560-114277759; plus strand). Cytogenetic location: 4q26.
Variant type: single nucleotide variant.
Coding change: c.6874C>T on transcript NM_001148.6 (MANE Select); coding-DNA position 6874, C replaced by T.
Protein change: p.Arg2292Ter; replaces arginine 2292 with a stop codon.
Molecular consequence: nonsense. On other transcripts: intron variant (68).
Genome position (GRCh38, 1-based): chr4:113,355,492, C>T. VCF-style: chr4-113355492-C-T. GRCh37 (hg19) VCF-style: chr4-114276648-C-T.
Other names: c.6640C>T, p.Arg2214Ter (NM_001386142.1); c.3274C>T, p.Arg1092Ter (NM_001386166.1); c.7015C>T, p.Arg2339Ter (NM_001386174.1); c.6991C>T, p.Arg2331Ter (NM_001386175.1); c.4411+5243C>T (NM_001386186.2, NM_001386148.2); c.4213+5243C>T (NM_001354269.3); c.4291+5243C>T (NM_001386187.2); c.4252+5243C>T (NM_001386147.1); and 35 more; short protein forms R1092*, R2214*, R2292*, R2331*, R2339*.
Identifiers: ClinVar variation 4081881 (VCV004081881.2).